The following is an entry in ClinVar:

ClinVar aggregate classification (germline): Uncertain significance (1 of 4 stars; one submission).

Submission:

GeneDx
Classification: Uncertain significance. Last evaluated: 2023-03-21. Review status: criteria provided, single submitter. Criteria: GeneDx Variant Classification Process June 2021. Collection method: clinical testing. Allele origin: germline. Affected: yes.
Comment: Not observed at significant frequency in large population cohorts (gnomAD); In silico analysis supports that this missense variant has a deleterious effect on protein structure/function; Has not been previously published as pathogenic or benign to our knowledge

NM_000046.5(ARSB):c.880G>A (p.Val294Met)

Gene: ARSB (arylsulfatase B; minus strand). Cytogenetic location: 5q14.1.
Variant type: single nucleotide variant.
Coding change: c.880G>A on transcript NM_000046.5 (MANE Select); coding-DNA position 880, G replaced by A.
Protein change: p.Val294Met; replaces valine 294 with methionine.
Molecular consequence: missense variant.
Genome position (GRCh38, 1-based): chr5:78,955,313, C>T on the plus strand (G>A on the coding strand, the complement: ARSB is on the minus strand). VCF-style: chr5-78955313-C-T. GRCh37 (hg19) VCF-style: chr5-78251136-C-T.
Other names: c.880G>A, p.Val294Met (NM_198709.3); short protein forms V294M.
Identifiers: ClinVar variation 2580581 (VCV002580581.1), dbSNP rs942175743, ClinGen allele CA360191927.